The following is an entry in ClinVar:

NM_000492.4(CFTR):c.2755T>A (p.Tyr919Asn)

Gene: CFTR (CF transmembrane conductance regulator; plus strand). Cytogenetic location: 7q31.2.
Variant type: single nucleotide variant.
Coding change: c.2755T>A on transcript NM_000492.4 (MANE Select); coding-DNA position 2755, T replaced by A.
Protein change: p.Tyr919Asn; replaces tyrosine 919 with asparagine.
Molecular consequence: missense variant.
Genome position (GRCh38, 1-based): chr7:117,603,629, T>A. VCF-style: chr7-117603629-T-A. GRCh37 (hg19) VCF-style: chr7-117243683-T-A.
Other names: c.2755T>A (NM_000492.3); short protein forms Y919N.
Identifiers: ClinVar variation 1037205 (VCV001037205.6), dbSNP rs1033530699, ClinGen allele CA164960117.

ClinVar aggregate classification (germline): Uncertain significance. Review status: criteria provided, multiple submitters, no conflicts (2 of 4 stars). 3 submissions from 3 submitters: Uncertain significance (2). 1 of the submissions does not count toward it. Last evaluated 2022-07-12.

Conditions:
Cystic fibrosis (CF). Also called: MUCOVISCIDOSIS. Identifiers: Orphanet 586, MedGen C0010674, MONDO:0009061, OMIM 219700. Disease mechanism: loss of function.
CFTR-related disorder (CFTR-RD). Also called: CFTR-related disorders; CFTR-related condition. Identifiers: MedGen C5924204, MONDO:7770004.

Allele frequency attached by ClinVar (database versions not stated): TOPMed 0.00002; gnomAD exomes 0.00001.

Submissions (3):

Labcorp Genetics (formerly Invitae), Labcorp
Classification: Uncertain significance for Cystic fibrosis. Last evaluated: 2022-07-12. Review status: criteria provided, single submitter. Criteria: Invitae Variant Classification Sherloc (09022015). Collection method: clinical testing. Allele origin: germline.
Comment: This sequence change replaces tyrosine, which is neutral and polar, with asparagine, which is neutral and polar, at codon 919 of the CFTR protein (p.Tyr919Asn). This variant is not present in population databases (gnomAD no frequency). This variant has not been reported in the literature in individuals affected with CFTR-related conditions. ClinVar contains an entry for this variant (Variation ID: 1037205). Algorithms developed to predict the effect of missense changes on protein structure and function are either unavailable or do not agree on the potential impact of this missense change (SIFT: "Tolerated"; PolyPhen-2: "Possibly Damaging"; Align-GVGD: "Class C0"). In summary, the available evidence is currently insufficient to determine the role of this variant in disease. Therefore, it has been classified as a Variant of Uncertain Significance.

Ambry Genetics
Classification: Uncertain significance for Cystic fibrosis. Last evaluated: 2018-10-01. Review status: criteria provided, single submitter. Criteria: Ambry Variant Classification Scheme 2023. Collection method: clinical testing. Allele origin: germline.
Comment: The p.Y919N variant (also known as c.2755T>A), located in coding exon 17 of the CFTR gene, results from a T to A substitution at nucleotide position 2755. The tyrosine at codon 919 is replaced by asparagine, an amino acid with dissimilar properties. A different alteration located at the same position, p.Y919C, has been detected in two individuals with cystic fibrosis or cystic fibrosis-like symptoms; however a second alteration was not identified in either individual (Savov A et al. Hum. Mol. Genet., 1994 Jan;3:57-60; Zitkiewicz E et al. PLoS ONE, 2014 Feb;9:e89094). The p.Y919N position is well conserved in available vertebrate species. In addition, this alteration is predicted to be deleterious by in silico analysis. Since supporting evidence is limited at this time, the clinical significance of this alteration remains unclear.

Natera, Inc.
Classification: Uncertain significance for CFTR-related disorders. Last evaluated: 2018-12-23. Review status: no assertion criteria provided. Collection method: clinical testing. Allele origin: germline. Not counted in ClinVar's aggregate classification.